The following is an entry in ClinVar:

NM_002471.4(MYH6):c.416T>C (p.Val139Ala)

Genes: MYH6 (myosin heavy chain 6; minus strand), LOC114827851 (VISTA enhancer hs2155; plus strand). Cytogenetic location: 14q11.2.
Variant type: single nucleotide variant.
Coding change: c.416T>C on transcript NM_002471.4 (MANE Select); coding-DNA position 416, T replaced by C.
Protein change: p.Val139Ala; replaces valine 139 with alanine.
Molecular consequence: missense variant.
Genome position (GRCh38, 1-based): chr14:23,405,309, A>G on the plus strand (T>C on the coding strand, the complement: MYH6 is on the minus strand). VCF-style: chr14-23405309-A-G. GRCh37 (hg19) VCF-style: chr14-23874518-A-G.
Other names: short protein forms V139A.
Identifiers: ClinVar variation 1738416 (VCV001738416.5), dbSNP rs1416003742, ClinGen allele CA389030987.

ClinVar aggregate classification (germline): Uncertain significance. Review status: criteria provided, multiple submitters, no conflicts (2 of 4 stars). 3 submissions from 3 submitters: Uncertain significance (3). Last evaluated 2025-09-01.

Conditions:
Cardiovascular phenotype. Identifiers: MedGen CN230736.
Hypertrophic cardiomyopathy 14. Identifiers: MedGen C2750467, MONDO:0013197, OMIM 613251.

Allele frequency attached by ClinVar (database versions not stated): gnomAD exomes below 0.00001.
gnomAD v4.1: 4 of 1,614,140 alleles (0.00025%); highest among the groups gnomAD compares: East Asian, 0.0067%; no homozygotes.

Submissions (3):

Ambry Genetics
Classification: Uncertain significance for Cardiovascular phenotype. Last evaluated: 2025-09-01. Review status: criteria provided, single submitter. Criteria: Ambry Variant Classification Scheme 2023. Collection method: clinical testing. Allele origin: germline.

Labcorp Genetics (formerly Invitae), Labcorp
Classification: Uncertain significance for Hypertrophic cardiomyopathy 14. Last evaluated: 2025-03-05. Review status: criteria provided, single submitter. Criteria: Invitae Variant Classification Sherloc (09022015). Collection method: clinical testing. Allele origin: germline.
Comment: This sequence change replaces valine, which is neutral and non-polar, with alanine, which is neutral and non-polar, at codon 139 of the MYH6 protein (p.Val139Ala). This variant is present in population databases (no rsID available, gnomAD 0.006%). This variant has not been reported in the literature in individuals affected with MYH6-related conditions. ClinVar contains an entry for this variant (Variation ID: 1738416). Invitae Evidence Modeling of protein sequence and biophysical properties (such as structural, functional, and spatial information, amino acid conservation, physicochemical variation, residue mobility, and thermodynamic stability) indicates that this missense variant is not expected to disrupt MYH6 protein function with a negative predictive value of 80%. In summary, the available evidence is currently insufficient to determine the role of this variant in disease. Therefore, it has been classified as a Variant of Uncertain Significance.

GeneDx
Classification: Uncertain significance. Last evaluated: 2023-09-21. Review status: criteria provided, single submitter. Criteria: GeneDx Variant Classification Process June 2021. Collection method: clinical testing. Allele origin: germline. Affected: yes.
Comment: Has not been previously published as pathogenic or benign to our knowledge; Not observed at significant frequency in large population cohorts (gnomAD); In silico analysis supports that this missense variant has a deleterious effect on protein structure/function